The following is an entry in ClinVar:

NM_000051.4(ATM):c.5803G>C (p.Asp1935His)

Genes: ATM (ATM serine/threonine kinase; plus strand), C11orf65 (chromosome 11 open reading frame 65; minus strand). Cytogenetic location: 11q22.3.
Variant type: single nucleotide variant.
Coding change: c.5803G>C on transcript NM_000051.4 (MANE Select); coding-DNA position 5803, G replaced by C.
Protein change: p.Asp1935His; replaces aspartic acid 1935 with histidine.
Molecular consequence: missense variant. On other transcripts: intron variant (2).
Genome position (GRCh38, 1-based): chr11:108,310,200, G>C. VCF-style: chr11-108310200-G-C. GRCh37 (hg19) VCF-style: chr11-108180927-G-C.
Other names: c.5803G>C, p.Asp1935His (NM_001351834.2); c.641-1129C>G (NM_001330368.2); c.*39-1129C>G (NM_001351110.2); short protein forms D1935H.
Identifiers: ClinVar variation 4843927 (VCV004843927.1).

ClinVar aggregate classification (germline): Uncertain significance (1 of 4 stars; one submission).

Conditions:
Hereditary cancer-predisposing syndrome. Also called: Tumor predisposition; Hereditary neoplastic syndrome; Hereditary Cancer Syndrome; Neoplastic Syndromes, Hereditary. Identifiers: Orphanet 140162, MedGen C0027672, MeSH D009386, MONDO:0015356.

Submission:

Ambry Genetics
Classification: Uncertain significance for Hereditary cancer-predisposing syndrome. Last evaluated: 2026-01-15. Review status: criteria provided, single submitter. Criteria: Ambry Variant Classification Scheme 2023. Collection method: clinical testing. Allele origin: germline.
Comment: The p.D1935H variant (also known as c.5803G>C), located in coding exon 38 of the ATM gene, results from a G to C substitution at nucleotide position 5803. The aspartic acid at codon 1935 is replaced by histidine, an amino acid with similar properties. This amino acid position is not well conserved in available vertebrate species. In addition, the in silico prediction for this alteration is inconclusive. Based on the available evidence, the clinical significance of this variant remains unclear.